The following is an entry in ClinVar:

ClinVar aggregate classification (germline): Uncertain significance (1 of 4 stars; one submission).

Conditions:
Paroxysmal nonkinesigenic dyskinesia. Also called: Paroxysmal non-kinesigenic dyskinesia. Identifiers: Orphanet 98810, MedGen C1869117, MONDO:0700088.

Allele frequency attached by ClinVar (database versions not stated): gnomAD exomes below 0.00001 and 0.00002; TOPMed 0.00001.

Submission:

Labcorp Genetics (formerly Invitae), Labcorp
Classification: Uncertain significance for Paroxysmal nonkinesigenic dyskinesia. Last evaluated: 2025-04-29. Review status: criteria provided, single submitter. Criteria: Invitae Variant Classification Sherloc (09022015). Collection method: clinical testing. Allele origin: germline.
Comment: This sequence change replaces histidine, which is basic and polar, with arginine, which is basic and polar, at codon 233 of the PNKD protein (p.His233Arg). This variant is present in population databases (no rsID available, gnomAD 0.01%). This variant has not been reported in the literature in individuals affected with PNKD-related conditions. ClinVar contains an entry for this variant (Variation ID: 644743). Invitae Evidence Modeling of protein sequence and biophysical properties (such as structural, functional, and spatial information, amino acid conservation, physicochemical variation, residue mobility, and thermodynamic stability) indicates that this missense variant is expected to disrupt PNKD protein function with a positive predictive value of 80%. In summary, the available evidence is currently insufficient to determine the role of this variant in disease. Therefore, it has been classified as a Variant of Uncertain Significance.

NM_015488.5(PNKD):c.698A>G (p.His233Arg)

Genes: CATIP-AS2 (CATIP antisense RNA 2; minus strand), PNKD (PNKD metallo-beta-lactamase domain containing; plus strand). Cytogenetic location: 2q35.
Variant type: single nucleotide variant.
Coding change: c.698A>G on transcript NM_015488.5 (MANE Select); coding-DNA position 698, A replaced by G.
Protein change: p.His233Arg; replaces histidine 233 with arginine.
Molecular consequence: missense variant.
Genome position (GRCh38, 1-based): chr2:218,342,061, A>G. VCF-style: chr2-218342061-A-G. GRCh37 (hg19) VCF-style: chr2-219206784-A-G.
Other names: c.626A>G, p.His209Arg (NM_022572.5); short protein forms H233R, H209R.
Identifiers: ClinVar variation 644743 (VCV000644743.8), dbSNP rs994484237, ClinGen allele CA65759767.
Genomic context (GRCh38, chr2:218,342,061, plus strand): 5'-TGGTCAGCGTGGGACGGCTTCAGATCCGGGCCCTGGCTACACCTGGCCACACACAAGGCC[A>G]TCTGGTCTACCTACTGGATGGGGAGCCCTACAAGGGTCCCTCCTGCCTCTTCTCAGGGGA-3'
Protein context (NP_056303.3, residues 223-243): ALATPGHTQG[His233Arg]LVYLLDGEPY